The following is an entry in ClinVar:

ClinVar aggregate classification (germline): Likely pathogenic (1 of 4 stars; one submission).

Conditions:
Adams-Oliver syndrome 6 (AOS6). Identifiers: Orphanet 974, MedGen C4225271, MONDO:0014703, OMIM 616589.

Submission:

MVZ Medizinische Genetik Mainz
Classification: Likely pathogenic for Adams-Oliver syndrome 6. Last evaluated: 2021-11-17. Review status: criteria provided, single submitter. Criteria: UK Practice Guidelines For Variant Classification V4 01 2020. Collection method: clinical testing. Allele origin: germline. Inheritance: Autosomal dominant inheritance. Affected: yes. Observed: 1 variant allele.
Comment: ACMG Criteria: PS2, PM2_SUP, PP3

NM_019074.4(DLL4):c.187A>G (p.Lys63Glu)

Gene: DLL4 (delta like canonical Notch ligand 4; plus strand). Cytogenetic location: 15q15.1.
Variant type: single nucleotide variant.
Coding change: c.187A>G on transcript NM_019074.4 (MANE Select); coding-DNA position 187, A replaced by G.
Protein change: p.Lys63Glu; replaces lysine 63 with glutamic acid.
Molecular consequence: missense variant.
Genome position (GRCh38, 1-based): chr15:40,929,967, A>G. VCF-style: chr15-40929967-A-G. GRCh37 (hg19) VCF-style: chr15-41222165-A-G.
Other names: short protein forms K63E.
Identifiers: ClinVar variation 3066222 (VCV003066222.1), dbSNP rs2542541193, ClinGen allele CA391804475.